The following is an entry in ClinVar:

ClinVar aggregate classification (germline): Conflicting classifications of pathogenicity. Review status: criteria provided, conflicting classifications (1 of 4 stars). 3 submissions from 3 submitters: Uncertain significance (2); Likely benign (1). Last evaluated 2025-12-20.

Conditions:
RASopathy. Also called: Noonan spectrum disorder; rasopathies. Identifiers: Orphanet 536391, MedGen C5555857, MONDO:0021060.
Cardiovascular phenotype. Identifiers: MedGen CN230736.

gnomAD v4.1: 8 of 1,613,742 alleles (0.0005%); highest among the groups gnomAD compares: Non-Finnish European, 0.00068%; no homozygotes.

Submissions (3):

Labcorp Genetics (formerly Invitae), Labcorp
Classification: Uncertain significance for RASopathy. Last evaluated: 2025-12-20. Review status: criteria provided, single submitter. Criteria: Invitae Variant Classification Sherloc (09022015). Collection method: clinical testing. Allele origin: germline.
Comment: This sequence change replaces histidine, which is basic and polar, with glutamine, which is neutral and polar, at codon 103 of the RAF1 protein (p.His103Gln). This variant is not present in population databases (gnomAD no frequency). This missense change has been observed in individual(s) with RAF1-related conditions (PMID: 20052757). ClinVar contains an entry for this variant (Variation ID: 380683). Invitae Evidence Modeling incorporating data from in vitro experimental studies (internal data) indicates that this missense variant is not expected to disrupt RAF1 function with a negative predictive value of 80%. Experimental studies have shown that this missense change does not substantially affect RAF1 function (PMID: 20052757). In summary, the available evidence is currently insufficient to determine the role of this variant in disease. Therefore, it has been classified as a Variant of Uncertain Significance.

Ambry Genetics
Classification: Uncertain significance for Cardiovascular phenotype. Last evaluated: 2025-08-26. Review status: criteria provided, single submitter. Criteria: Ambry Variant Classification Scheme 2023. Collection method: clinical testing. Allele origin: germline.

GeneDx
Classification: Likely benign. Last evaluated: 2017-06-08. Review status: criteria provided, single submitter. Criteria: GeneDx Variant Classification (06012015). Collection method: clinical testing. Allele origin: germline. Affected: yes.
Comment: This variant is considered likely benign or benign based on one or more of the following criteria: it is a conservative change, it occurs at a poorly conserved position in the protein, it is predicted to be benign by multiple in silico algorithms, and/or has population frequency not consistent with disease.

Literature cited by the submitters: PubMed 20052757 (cited by Labcorp Genetics (formerly Invitae), Labcorp).

NM_002880.4(RAF1):c.309C>G (p.His103Gln)

Gene: RAF1 (Raf-1 proto-oncogene, serine/threonine kinase; minus strand). Cytogenetic location: 3p25.2.
Variant type: single nucleotide variant.
Coding change: c.309C>G on transcript NM_002880.4 (MANE Select); coding-DNA position 309, C replaced by G.
Protein change: p.His103Gln; replaces histidine 103 with glutamine.
Molecular consequence: missense variant. On other transcripts: non-coding transcript variant (3), intron variant (4).
Genome position (GRCh38, 1-based): chr3:12,611,961, G>C on the plus strand (C>G on the coding strand, the complement: RAF1 is on the minus strand). VCF-style: chr3-12611961-G-C. GRCh37 (hg19) VCF-style: chr3-12653460-G-C.
Other names: c.309C>G, p.His103Gln (NM_001354689.3, NM_001354690.3, NM_001354693.3); c.78-2626C>G (NM_001354695.3, NM_001354692.3, NM_001354694.3 and 1 more transcripts); short protein forms H103Q.
Identifiers: ClinVar variation 380683 (VCV000380683.12), dbSNP rs1057520880, ClinGen allele CA16604451.
Genomic context (GRCh38, chr3:12,611,961, plus strand): 5'-AGAAGATCCTTACTAGTCTGAAGAAGTCAATTGACTTTTGAGCTCTTACCCTTTGTGTTC[G>C]TGGAGAAGTCTGAACACTGCACAGCACTCTGGTTGCAGGCCCCTCACCTTGAGTGCTTTC-3'
Protein context (NP_002871.1, residues 93-113): PECCAVFRLL[His103Gln]EHKGKKARLD